The following is an entry in ClinVar:

NM_018127.7(ELAC2):c.1770G>C (p.Gln590His)

Gene: ELAC2 (elaC ribonuclease Z 2; minus strand). Cytogenetic location: 17p12.
Variant type: single nucleotide variant.
Coding change: c.1770G>C on transcript NM_018127.7 (MANE Select); coding-DNA position 1770, G replaced by C.
Protein change: p.Gln590His; replaces glutamine 590 with histidine.
Molecular consequence: missense variant.
Genome position (GRCh38, 1-based): chr17:12,995,741, C>G on the plus strand (G>C on the coding strand, the complement: ELAC2 is on the minus strand). VCF-style: chr17-12995741-C-G. GRCh37 (hg19) VCF-style: chr17-12899058-C-G.
Other names: c.1650G>C, p.Gln550His (NM_001165962.2); c.1767G>C, p.Gln589His (NM_173717.2); short protein forms Q590H, Q589H, Q550H.
Identifiers: ClinVar variation 2122325 (VCV002122325.4), dbSNP rs2508230120, ClinGen allele CA398223570.

ClinVar aggregate classification (germline): Uncertain significance (1 of 4 stars; one submission).

Conditions:
Combined oxidative phosphorylation defect type 17. Also called: Combined oxidative phosphorylation deficiency 17. Identifiers: Orphanet 369913, MedGen C3809526, MONDO:0014190, OMIM 615440.

Submission:

Labcorp Genetics (formerly Invitae), Labcorp
Classification: Uncertain significance for Combined oxidative phosphorylation defect type 17. Last evaluated: 2022-04-07. Review status: criteria provided, single submitter. Criteria: Invitae Variant Classification Sherloc (09022015). Collection method: clinical testing. Allele origin: germline.
Comment: In summary, the available evidence is currently insufficient to determine the role of this variant in disease. Therefore, it has been classified as a Variant of Uncertain Significance. Algorithms developed to predict the effect of missense changes on protein structure and function (SIFT, PolyPhen-2, Align-GVGD) all suggest that this variant is likely to be tolerated. This variant has not been reported in the literature in individuals affected with ELAC2-related conditions. This variant is not present in population databases (gnomAD no frequency). This sequence change replaces glutamine, which is neutral and polar, with histidine, which is basic and polar, at codon 590 of the ELAC2 protein (p.Gln590His).